The following is an entry in ClinVar:

ClinVar aggregate classification (germline): Pathogenic (1 of 4 stars; one submission).

Conditions:
Hereditary spastic paraplegia 11. Also called: Spastic paraplegia, mental retardation and thin corpus callosum; Nakamura Osame syndrome; Autosomal recessive hereditary spastic paraplegia, mental impairment, and thin corpus callosum; SPASTIC PARAPLEGIA, AUTOSOMAL RECESSIVE, COMPLICATED, WITH THIN CORPUS CALLOSUM; SPASTIC PARAPLEGIA, AUTOSOMAL RECESSIVE, WITH MENTAL IMPAIRMENT AND THIN CORPUS CALLOSUM; Spastic Paraplegia 11. Identifiers: Orphanet 2822, MedGen C1858479, MONDO:0011445, OMIM 604360.

Submission:

Labcorp Genetics (formerly Invitae), Labcorp
Classification: Pathogenic for Hereditary spastic paraplegia 11. Last evaluated: 2020-02-15. Review status: criteria provided, single submitter. Criteria: Invitae Variant Classification Sherloc (09022015). Collection method: clinical testing. Allele origin: germline.
Comment: This variant has not been reported in the literature in individuals with SPG11-related conditions. ClinVar contains an entry for this variant (Variation ID: 665852). For these reasons, this variant has been classified as Pathogenic. Loss-of-function variants in SPG11 are known to be pathogenic (PMID: 19105190, 20110243, 22154821). This variant is not present in population databases (ExAC no frequency). This sequence change creates a premature translational stop signal (p.Gly309*) in the SPG11 gene. It is expected to result in an absent or disrupted protein product.

Literature cited by the submitters: PubMed 19105190; PubMed 20110243; PubMed 22154821.

NM_025137.4(SPG11):c.925G>T (p.Gly309Ter)

Gene: SPG11 (SPG11 vesicle trafficking associated, spatacsin; minus strand). Cytogenetic location: 15q21.1.
Variant type: single nucleotide variant.
Coding change: c.925G>T on transcript NM_025137.4 (MANE Select); coding-DNA position 925, G replaced by T.
Protein change: p.Gly309Ter; replaces glycine 309 with a stop codon.
Molecular consequence: nonsense.
Genome position (GRCh38, 1-based): chr15:44,652,211, C>A on the plus strand (G>T on the coding strand, the complement: SPG11 is on the minus strand). VCF-style: chr15-44652211-C-A. GRCh37 (hg19) VCF-style: chr15-44944409-C-A.
Other names: c.925G>T, p.Gly309Ter (NM_001160227.2); short protein forms G309*.
Identifiers: ClinVar variation 665852 (VCV000665852.6), dbSNP rs760659950, ClinGen allele CA392236986.
Genomic context (GRCh38, chr15:44,652,211, plus strand): 5'-TGGCCAGTTTCATGTTGTAGGCAGAGTTAACAGGATCATCTTCATCTACGCCCTTAGGTC[C>A]TTGAATAGGAAGATCTTCTAGTATTCTTTCACACAGTAGGTGTCCTGGGTGTTGCCTACA-3'